The following is an entry in ClinVar:

NM_001385641.1(SAMD11):c.2511dup (p.Asp838fs)

Gene: SAMD11 (sterile alpha motif domain containing 11; plus strand). Cytogenetic location: 1p36.33.
Variant type: Duplication.
Coding change: c.2511dup on transcript NM_001385641.1 (MANE Select); coding-DNA position 2511, one base duplicated (C; older notation c.2511dupC).
Protein change: p.Asp838fs; shifts the reading frame from aspartic acid 838.
Molecular consequence: frameshift variant.
Genome position (GRCh38, 1-based): chr1:944,129, C duplicated; the last of 5 consecutive C bases (chr1:944,125-944,129); duplicating any one gives the same sequence. VCF-style (leftmost placement, unchanged base first): chr1-944124-G-GC. GRCh37 (hg19) VCF-style: chr1-879504-G-GC.
Other names: c.2514dup, p.Asp839fs (NM_001385640.1); c.2022dup, p.Asp675fs (NM_152486.4); short protein forms D675fs, D838fs, D839fs.
Identifiers: ClinVar variation 1024032 (VCV001024032.6), dbSNP rs1642004946, ClinGen allele CA1148683375.
Genomic context (GRCh38, chr1:944,124, plus strand): 5'-GCCCTTGCCGGTCAAACTTCACCCAAGCAGGAGAATGGGACCTTGGCTCTACTTCCAGGG[G>GC]CCCCCGACCCTTCCCAGCCTCTGTGTTGAGGTTGCCGGGGGTAGGGGTGGGGCCACACAA-3'

ClinVar aggregate classification (germline): Uncertain significance (1 of 4 stars; one submission).

Submission:

Labcorp Genetics (formerly Invitae), Labcorp
Classification: Uncertain significance. Last evaluated: 2025-11-10. Review status: criteria provided, single submitter. Criteria: Invitae Variant Classification Sherloc (09022015). Collection method: clinical testing. Allele origin: germline.
Comment: This sequence change is expected to alter the c-terminus of the SAMD11 protein (p.Asp675Argfs*66). While this is not anticipated to result in nonsense mediated decay, it is expected to disrupt the last 7 amino acid(s) of the SAMD11 protein and extend the protein by 58 additional amino acid residues. This variant is not present in population databases (gnomAD no frequency). This variant has not been reported in the literature in individuals affected with SAMD11-related conditions. ClinVar contains an entry for this variant (Variation ID: 1024032). Experimental studies and prediction algorithms are not available or were not evaluated, and the functional significance of this variant is currently unknown. In summary, the available evidence is currently insufficient to determine the role of this variant in disease. Therefore, it has been classified as a Variant of Uncertain Significance.